The following is an entry in ClinVar:

ClinVar aggregate classification (germline): Uncertain significance (1 of 4 stars; one submission).

Conditions:
DOCK2 deficiency. Also called: Immunodeficiency 40. Identifiers: Orphanet 447737, MedGen C4225328, MONDO:0014637, OMIM 616433.

Submission:

Labcorp Genetics (formerly Invitae), Labcorp
Classification: Uncertain significance for DOCK2 deficiency. Last evaluated: 2021-04-22. Review status: criteria provided, single submitter. Criteria: Invitae Variant Classification Sherloc (09022015). Collection method: clinical testing. Allele origin: germline.
Comment: This variant, c.2757_2768del, results in the deletion of 4 amino acid(s) of the DOCK2 protein (p.Asn920_Val923del), but otherwise preserves the integrity of the reading frame. This variant is not present in population databases (ExAC no frequency). This variant has not been reported in the literature in individuals with DOCK2-related conditions. Experimental studies and prediction algorithms are not available or were not evaluated, and the functional significance of this variant is currently unknown. In summary, the available evidence is currently insufficient to determine the role of this variant in disease. Therefore, it has been classified as a Variant of Uncertain Significance.

NM_004946.3(DOCK2):c.2757_2768del (p.Asn920_Val923del)

Gene: DOCK2 (dedicator of cytokinesis 2; plus strand). Cytogenetic location: 5q35.1.
Variant type: Deletion.
Coding change: c.2757_2768del on transcript NM_004946.3 (MANE Select); coding-DNA positions 2757 to 2768, 12 bases deleted (GAACCGGACAGT).
Protein change: p.Asn920_Val923del.
Molecular consequence: inframe deletion. On other transcripts: non-coding transcript variant (1).
Genome position (GRCh38, 1-based): chr5:169,840,810-169,840,821, GAACCGGACAGT deleted; deleting any 12 consecutive bases within chr5:169,840,802-169,840,821 gives the same sequence; the c. name uses the placement nearest the transcript's 3' end. VCF-style (leftmost placement, unchanged base first): chr5-169840801-GCGGACAGTGAAC-G. GRCh37 (hg19) VCF-style: chr5-169267805-GCGGACAGTGAAC-G.
Identifiers: ClinVar variation 1347455 (VCV001347455.8), dbSNP rs2113334014, ClinGen allele CA2573139392.